The following is an entry in ClinVar:

NM_001377530.1(DMBT1):c.2019A>C (p.Gly673=)

Gene: DMBT1 (deleted in malignant brain tumors 1; plus strand). Cytogenetic location: 10q26.13.
Variant type: single nucleotide variant.
Coding change: c.2019A>C on transcript NM_001377530.1 (MANE Select); coding-DNA position 2019, A replaced by C.
Protein change: p.Gly673=; no amino-acid change (glycine 673 retained).
Molecular consequence: synonymous variant. On other transcripts: intron variant (1).
Genome position (GRCh38, 1-based): chr10:122,589,179, A>C. VCF-style: chr10-122589179-A-C. GRCh37 (hg19) VCF-style: chr10-124348695-A-C.
Other names: c.2019A>C, p.Gly673= (NM_001320644.2, NM_007329.3); c.1989A>C, p.Gly663= (NM_017579.3); c.1420+4828A>C (NM_004406.3).
Identifiers: ClinVar variation 2640930 (VCV002640930.24), dbSNP rs1264508486, ClinGen allele CA471746240.

ClinVar aggregate classification (germline): Likely benign (1 of 4 stars; one submission).

Allele frequency attached by ClinVar (database versions not stated): gnomAD 0.00001.
gnomAD v4.1: 4 of 1,588,256 alleles (0.00025%); highest among the groups gnomAD compares: Non-Finnish European, 0.00017%; 1 homozygote.

Submission:

CeGaT Center for Human Genetics Tuebingen
Classification: Likely benign. Last evaluated: 2022-11-01. Review status: criteria provided, single submitter. Criteria: CeGaT Center For Human Genetics Tuebingen Variant Classification Criteria Version 2. Collection method: clinical testing. Allele origin: germline. Affected: yes. Observed: 1 variant allele.
Comment: DMBT1: BP4, BP7